The following is an entry in ClinVar:

ClinVar aggregate classification (germline): Likely benign (1 of 4 stars; one submission).

Allele frequency attached by ClinVar (database versions not stated): 1000 Genomes Project 0.00100; 1000 Genomes Project 30x 0.00109; gnomAD 0.00366; ExAC 0.00369; TOPMed 0.00300; ESP Exome Variant Server 0.00346.
gnomAD v4.1: 6,592 of 1,610,238 alleles (0.41%); highest among the groups gnomAD compares: Non-Finnish European, 0.49%; 22 homozygotes.

Submission:

CeGaT Center for Human Genetics Tuebingen
Classification: Likely benign. Last evaluated: 2022-08-01. Review status: criteria provided, single submitter. Criteria: CeGaT Center For Human Genetics Tuebingen Variant Classification Criteria Version 2. Collection method: clinical testing. Allele origin: germline. Affected: yes. Observed: 1 variant allele.
Comment: PDE4C: BP4, BP7

NM_001098818.4(PDE4C):c.2025C>T (p.Leu675=)

Gene: PDE4C (phosphodiesterase 4C; minus strand). Cytogenetic location: 19p13.11.
Variant type: single nucleotide variant.
Coding change: c.2025C>T on transcript NM_001098818.4 (MANE Select); coding-DNA position 2025, C replaced by T.
Protein change: p.Leu675=; no amino-acid change (leucine 675 retained).
Molecular consequence: synonymous variant.
Genome position (GRCh38, 1-based): chr19:18,210,947, G>A on the plus strand (C>T on the coding strand, the complement: PDE4C is on the minus strand). VCF-style: chr19-18210947-G-A. GRCh37 (hg19) VCF-style: chr19-18321757-G-A.
Other names: c.2121C>T, p.Leu707= (NM_000923.6, NM_001330172.2, NM_001414480.1); c.1803C>T, p.Leu601= (NM_001098819.4, NM_001395274.1); c.1428C>T, p.Leu476= (NM_001369701.2).
Identifiers: ClinVar variation 2649575 (VCV002649575.24), dbSNP rs150088794, ClinGen allele CA9308050.